The following is an entry in ClinVar:

ClinVar aggregate classification (germline): Benign/Likely benign. Review status: criteria provided, multiple submitters, no conflicts (2 of 4 stars). 9 submissions from 9 submitters: Benign (2); Likely benign (7). Last evaluated 2026-01-20.

Conditions:
Kidney disorder. Also called: renal disorder; Nephropathy; renal disease; Kidney disease; Kidney Diseases. Identifiers: MedGen C0022658, MONDO:0005240, HP:0000112.
Nephronophthisis. Also called: Juvenile Nephronophthisis. Identifiers: Orphanet 655, MedGen C0687120, MONDO:0019005, HP:0000090.
NPHP3-related Meckel-like syndrome. Also called: GOLDSTON SYNDROME; Meckel syndrome type 7. Identifiers: Orphanet 3032, MedGen C2673885, MONDO:0009966, OMIM 267010.
Renal-hepatic-pancreatic dysplasia 1 (RHPD1). Identifiers: MedGen C3715199, MONDO:0008833, OMIM 208540.
Nephronophthisis 3 (NPHP3). Also called: Adolescent nephronophthisis. Identifiers: Orphanet 655, MedGen C1858392, MONDO:0011456, OMIM 604387.

Allele frequency attached by ClinVar (database versions not stated): gnomAD exomes 0.00017 and 0.00032; ExAC 0.00040; gnomAD 0.00099; ESP Exome Variant Server 0.00100; TOPMed 0.00150; 1000 Genomes Project 30x 0.00250; 1000 Genomes Project 0.00300.
gnomAD v4.1: 483 of 1,613,168 alleles (0.03%); highest among the groups gnomAD compares: African/African-American, 0.47%; 4 homozygotes.

Submissions (9):

Labcorp Genetics (formerly Invitae), Labcorp
Classification: Benign for Nephronophthisis. Last evaluated: 2026-01-20. Review status: criteria provided, single submitter. Criteria: Invitae Variant Classification Sherloc (09022015). Collection method: clinical testing. Allele origin: germline.

Mayo Clinic Laboratories, Mayo Clinic
Classification: Likely benign. Last evaluated: 2025-10-06. Review status: criteria provided, single submitter. Criteria: ACMG Guidelines, 2015. Collection method: clinical testing. Allele origin: germline. Observed: 2 variant alleles.
Comment: BS1, BP4, BP7

Blueprint Genetics
Classification: Likely benign. Last evaluated: 2024-10-02. Review status: criteria provided, single submitter. Criteria: ACMG Guidelines, 2015. Collection method: clinical testing. Allele origin: germline.

CeGaT Center for Human Genetics Tuebingen
Classification: Likely benign. Last evaluated: 2024-10-01. Review status: criteria provided, single submitter. Criteria: CeGaT Center For Human Genetics Tuebingen Variant Classification Criteria Version 2. Collection method: clinical testing. Allele origin: germline. Affected: yes. Observed: 1 variant allele.
Comment: NPHP3: BP4, BP7

Fulgent Genetics
Classification: Likely benign for Renal-hepatic-pancreatic dysplasia 1; NPHP3-related Meckel-like syndrome; Nephronophthisis 3. Last evaluated: 2021-12-05. Review status: criteria provided, single submitter. Criteria: ACMG Guidelines, 2015. Collection method: clinical testing. Allele origin: unknown.

GeneDx
Classification: Likely benign. Last evaluated: 2021-10-19. Review status: criteria provided, single submitter. Criteria: GeneDx Variant Classification Process June 2021. Collection method: clinical testing. Allele origin: germline. Affected: yes.

Eurofins Ntd Llc (ga)
Classification: Likely benign. Last evaluated: 2017-07-06. Review status: criteria provided, single submitter. Criteria: EGL Classification Definitions 2015. Collection method: clinical testing. Allele origin: germline. Observed: 7 variant alleles, 7 heterozygotes.

Genome Diagnostics Laboratory, The Hospital for Sick Children
Classification: Likely benign for Kidney disorder. Last evaluated: 2017-02-06. Review status: criteria provided, single submitter. Criteria: ACMG Guidelines, 2015. Collection method: clinical testing. Allele origin: germline.

PreventionGenetics, part of Exact Sciences
Classification: Benign. Review status: criteria provided, single submitter. Criteria: ACMG Guidelines, 2015. Collection method: clinical testing. Allele origin: germline.

NM_153240.5(NPHP3):c.3663C>T (p.Ala1221=)

Genes: NPHP3 (nephrocystin 3; minus strand), NPHP3-ACAD11 (NPHP3-ACAD11 readthrough (NMD candidate); minus strand). Cytogenetic location: 3q22.1.
Variant type: single nucleotide variant.
Coding change: c.3663C>T on transcript NM_153240.5 (MANE Select); coding-DNA position 3663, C replaced by T.
Protein change: p.Ala1221=; no amino-acid change (alanine 1221 retained).
Molecular consequence: synonymous variant. On other transcripts: non-coding transcript variant (1).
Genome position (GRCh38, 1-based): chr3:132,683,432, G>A on the plus strand (C>T on the coding strand, the complement: NPHP3 is on the minus strand). VCF-style: chr3-132683432-G-A. GRCh37 (hg19) VCF-style: chr3-132402276-G-A.
Other names: p.Ala1221=.
Identifiers: ClinVar variation 262707 (VCV000262707.38), dbSNP rs112144165, ClinGen allele CA2621682.